The following is an entry in ClinVar:

ClinVar aggregate classification (germline): Likely benign. Review status: criteria provided, single submitter (1 of 4 stars). 2 submissions from 2 submitters: Likely benign (1). 1 of the submissions does not count toward it. Last evaluated 2023-03-23.

Conditions:
Hereditary cancer-predisposing syndrome. Also called: Neoplastic Syndromes, Hereditary; Tumor predisposition; Hereditary Cancer Syndrome; Hereditary neoplastic syndrome. Identifiers: Orphanet 140162, MedGen C0027672, MeSH D009386, MONDO:0015356.
Familial cancer of breast. Also called: BREAST CANCER, FAMILIAL; Hereditary breast cancer; hereditary breast carcinoma. Identifiers: Orphanet 227535, MedGen C0346153, MONDO:0016419, OMIM 114480. Disease mechanism: loss of function.

Allele frequency attached by ClinVar (database versions not stated): gnomAD exomes below 0.00001.
gnomAD v4.1: 1 of 1,613,924 alleles (0.000062%); highest among the groups gnomAD compares: Non-Finnish European, 0.000085%; no homozygotes.

Submissions (2):

University of Washington Department of Laboratory Medicine, University of Washington
Classification: Likely benign for Hereditary cancer-predisposing syndrome. Last evaluated: 2023-03-23. Review status: criteria provided, single submitter. Criteria: Dines et al. (Genet Med. 2020). Collection method: curation. Allele origin: germline.
Comment: Missense variant in a coldspot region where missense variants are very unlikely to be pathogenic (PMID:31911673).

BRCA2 exon 11 coldspot. Reclassification based on statistical prior probability.

ClinVar Staff, National Center for Biotechnology Information (NCBI)
No classification provided. Condition: Familial cancer of breast. Review status: no classification provided. Collection method: literature only. Allele origin: germline. Affected: yes. Not counted in ClinVar's aggregate classification.

Literature cited by the submitters: PubMed 21671020 (cited by ClinVar Staff, National Center for Biotechnology Information (NCBI)).

NM_000059.4(BRCA2):c.6018T>A (p.Ser2006Arg)

Gene: BRCA2 (BRCA2 DNA repair associated; plus strand). Cytogenetic location: 13q13.1.
Variant type: single nucleotide variant.
Coding change: c.6018T>A on transcript NM_000059.4 (MANE Select); coding-DNA position 6018, T replaced by A.
Protein change: p.Ser2006Arg; replaces serine 2006 with arginine.
Molecular consequence: missense variant.
Genome position (GRCh38, 1-based): chr13:32,340,373, T>A. VCF-style: chr13-32340373-T-A. GRCh37 (hg19) VCF-style: chr13-32914510-T-A.
Other names: short protein forms S2006R.
Identifiers: ClinVar variation 51988 (VCV000051988.4), dbSNP rs397507821, ClinGen allele CA023523.